The following is an entry in ClinVar:

NM_057175.5(NAA15):c.1523_1524delinsTG (p.Cys508Leu)

Gene: NAA15 (N-alpha-acetyltransferase 15, NatA auxiliary subunit; plus strand). Cytogenetic location: 4q31.1.
Variant type: Indel.
Coding change: c.1523_1524delinsTG on transcript NM_057175.5 (MANE Select); coding-DNA positions 1523 to 1524, GT replaced by TG.
Protein change: p.Cys508Leu; replaces cysteine 508 with leucine.
Molecular consequence: missense variant.
Genome position (GRCh38, 1-based): chr4:139,360,612-139,360,613, GT replaced by TG. VCF-style: chr4-139360612-GT-TG. GRCh37 (hg19) VCF-style: chr4-140281766-GT-TG.
Other names: c.1523_1524delinsTG, p.Cys508Leu (NM_001410842.1); short protein forms C508L.
Identifiers: ClinVar variation 5006734 (VCV005006734.2).

ClinVar aggregate classification (germline): Uncertain significance (1 of 4 stars; one submission).

Conditions:
Intellectual developmental disorder, autosomal dominant 50, with behavioral abnormalities. Also called: MENTAL RETARDATION, AUTOSOMAL DOMINANT 50; Intellectual disability, autosomal dominant 50. Identifiers: MedGen C4540470, MONDO:0030916, OMIM 617787.

Submission:

Juno Genomics, Hangzhou Juno Genomics, Inc
Classification: Uncertain significance for Intellectual developmental disorder, autosomal dominant 50, with behavioral abnormalities. Review status: criteria provided, single submitter. Criteria: ACMG Guidelines, 2015. Collection method: clinical testing. Allele origin: germline.
Comment: Absent from controls (or at extremely low frequency if recessive) in Genome Aggregation Database.